The following is an entry in ClinVar:

NM_001134363.3(RBM20):c.3610G>A (p.Glu1204Lys)

Gene: RBM20 (RNA binding motif protein 20; plus strand). Cytogenetic location: 10q25.2.
Variant type: single nucleotide variant.
Coding change: c.3610G>A on transcript NM_001134363.3 (MANE Select); coding-DNA position 3610, G replaced by A.
Protein change: p.Glu1204Lys; replaces glutamic acid 1204 with lysine.
Molecular consequence: missense variant.
Genome position (GRCh38, 1-based): chr10:110,835,904, G>A. VCF-style: chr10-110835904-G-A. GRCh37 (hg19) VCF-style: chr10-112595662-G-A.
Other names: short protein forms E1204K.
Identifiers: ClinVar variation 2104011 (VCV002104011.4), dbSNP rs2493525820, ClinGen allele CA378388033.

ClinVar aggregate classification (germline): Uncertain significance (1 of 4 stars; one submission).

Conditions:
Dilated cardiomyopathy 1DD (CMD1DD). Identifiers: Orphanet 154, MedGen C2750995, MONDO:0013168, OMIM 613172.

Submission:

Labcorp Genetics (formerly Invitae), Labcorp
Classification: Uncertain significance for Dilated cardiomyopathy 1DD. Last evaluated: 2022-02-27. Review status: criteria provided, single submitter. Criteria: Invitae Variant Classification Sherloc (09022015). Collection method: clinical testing. Allele origin: germline.
Comment: In summary, the available evidence is currently insufficient to determine the role of this variant in disease. Therefore, it has been classified as a Variant of Uncertain Significance. Advanced modeling of protein sequence and biophysical properties (such as structural, functional, and spatial information, amino acid conservation, physicochemical variation, residue mobility, and thermodynamic stability) performed at Invitae indicates that this missense variant is not expected to disrupt RBM20 protein function. This sequence change replaces glutamic acid, which is acidic and polar, with lysine, which is basic and polar, at codon 1204 of the RBM20 protein (p.Glu1204Lys). This variant is not present in population databases (gnomAD no frequency). This variant has not been reported in the literature in individuals affected with RBM20-related conditions.